The following is an entry in ClinVar:

NM_016580.4(PCDH12):c.1469G>A (p.Gly490Asp)

Genes: PCDH12 (protocadherin 12; minus strand), RNF14 (ring finger protein 14; plus strand). Cytogenetic location: 5q31.3.
Variant type: single nucleotide variant.
Coding change: c.1469G>A on transcript NM_016580.4 (MANE Select); coding-DNA position 1469, G replaced by A.
Protein change: p.Gly490Asp; replaces glycine 490 with aspartic acid.
Molecular consequence: missense variant.
Genome position (GRCh38, 1-based): chr5:141,956,383, C>T on the plus strand (G>A on the coding strand, the complement: PCDH12 is on the minus strand). VCF-style: chr5-141956383-C-T. GRCh37 (hg19) VCF-style: chr5-141335948-C-T.
Other names: short protein forms G490D.
Identifiers: ClinVar variation 1508763 (VCV001508763.8), dbSNP rs778152852, ClinGen allele CA3484397.
Genomic context (GRCh38, chr5:141,956,383, plus strand): 5'-ATAGCTACTAAGTGAGCAACTGGGGAGTCCTGGATGCGGTATGAGACTTTTCCATTAATG[C>T]CCAAGTCTGCATCATGAGCCTTGATGGTAATGAGGTGAAGAGAGGGTAAGTTGTTTTCCC-3'
Protein context (NP_057664.1, residues 480-500): ITIKAHDADL[Gly490Asp]INGKVSYRIQ

ClinVar aggregate classification (germline): Uncertain significance (1 of 4 stars; one submission).

Allele frequency attached by ClinVar (database versions not stated): gnomAD exomes below 0.00001 and 0.00002; TOPMed 0.00001; ExAC 0.00002.
gnomAD v4.1: 2 of 1,614,206 alleles (0.00012%); highest among the groups gnomAD compares: East Asian, 0.0022%; no homozygotes.

Submission:

Labcorp Genetics (formerly Invitae), Labcorp
Classification: Uncertain significance. Last evaluated: 2021-02-10. Review status: criteria provided, single submitter. Criteria: Invitae Variant Classification Sherloc (09022015). Collection method: clinical testing. Allele origin: germline.
Comment: Advanced modeling of protein sequence and biophysical properties (such as structural, functional, and spatial information, amino acid conservation, physicochemical variation, residue mobility, and thermodynamic stability) performed at Invitae indicates that this missense variant is not expected to disrupt PCDH12 protein function. In summary, the available evidence is currently insufficient to determine the role of this variant in disease. Therefore, it has been classified as a Variant of Uncertain Significance. This sequence change replaces glycine with aspartic acid at codon 490 of the PCDH12 protein (p.Gly490Asp). The glycine residue is highly conserved and there is a moderate physicochemical difference between glycine and aspartic acid. This variant is present in population databases (rs778152852, ExAC 0.02%). This variant has not been reported in the literature in individuals with PCDH12-related conditions.